The following is an entry in ClinVar:

ClinVar aggregate classification (germline): Benign (1 of 4 stars; one submission).

Allele frequency attached by ClinVar (database versions not stated): 1000 Genomes Project 0.31190; 1000 Genomes Project 30x 0.31512; TOPMed 0.40886; gnomAD 0.42477 and 0.42840.
gnomAD v4.1: 64,620 of 151,766 alleles (43%); highest among the groups gnomAD compares: Middle Eastern, 56%; 15,335 homozygotes.

Submission:

GeneDx
Classification: Benign. Last evaluated: 2018-06-14. Review status: criteria provided, single submitter. Criteria: GeneDx Variant Classification (06012015). Collection method: clinical testing. Allele origin: germline. Affected: yes.
Comment: This variant is considered likely benign or benign based on one or more of the following criteria: it is a conservative change, it occurs at a poorly conserved position in the protein, it is predicted to be benign by multiple in silico algorithms, and/or has population frequency not consistent with disease.

NM_017775.4(TTC19):c.462+247T>C

Gene: TTC19 (tetratricopeptide repeat domain 19; plus strand). Cytogenetic location: 17p12.
Variant type: single nucleotide variant.
Coding change: c.462+247T>C on transcript NM_017775.4 (MANE Select); 247 bases into the intron after coding-DNA position 462, T replaced by C.
Molecular consequence: intron variant.
Genome position (GRCh38, 1-based): chr17:16,003,078, T>C. VCF-style: chr17-16003078-T-C. GRCh37 (hg19) VCF-style: chr17-15906392-T-C.
Other names: c.141+247T>C (NM_001271420.2).
Identifiers: ClinVar variation 667504 (VCV000667504.1), dbSNP rs11078321, ClinGen allele CA15896677.